The following is an entry in ClinVar:

NM_013427.3(ARHGAP6):c.2176+95G>A

Gene: ARHGAP6 (Rho GTPase activating protein 6; minus strand). Cytogenetic location: Xp22.2.
Variant type: single nucleotide variant.
Coding change: c.2176+95G>A on transcript NM_013427.3 (MANE Select); 95 bases into the intron after coding-DNA position 2176, G replaced by A.
Molecular consequence: intron variant. On other transcripts: synonymous variant (1).
Genome position (GRCh38, 1-based): chrX:11,143,885, C>T on the plus strand (G>A on the coding strand, the complement: ARHGAP6 is on the minus strand). VCF-style: chrX-11143885-C-T. GRCh37 (hg19) VCF-style: chrX-11162005-C-T.
Other names: c.2271G>A, p.Ser757= (NM_006125.3); c.1636+95G>A (NM_001287242.2); c.1567+95G>A (NM_013423.3).
Identifiers: ClinVar variation 2659985 (VCV002659985.24), dbSNP rs756872843, ClinGen allele CA10348049.

ClinVar aggregate classification (germline): Likely benign (1 of 4 stars; one submission).

Allele frequency attached by ClinVar (database versions not stated): ExAC 0.00006; gnomAD exomes 0.00016.
gnomAD v4.1: 181 of 1,199,882 alleles (0.015%); highest among the groups gnomAD compares: Non-Finnish European, 0.019%; 1 homozygote.

Submission:

CeGaT Center for Human Genetics Tuebingen
Classification: Likely benign. Last evaluated: 2022-11-01. Review status: criteria provided, single submitter. Criteria: CeGaT Center For Human Genetics Tuebingen Variant Classification Criteria Version 2. Collection method: clinical testing. Allele origin: germline. Affected: yes. Observed: 2 variant alleles.
Comment: ARHGAP6: BP4, BP7